The following is an entry in ClinVar:

NM_006231.4(POLE):c.189C>A (p.Leu63=)

Gene: POLE (DNA polymerase epsilon, catalytic subunit; minus strand). Cytogenetic location: 12q24.33.
Variant type: single nucleotide variant.
Coding change: c.189C>A on transcript NM_006231.4 (MANE Select); coding-DNA position 189, C replaced by A.
Protein change: p.Leu63=; no amino-acid change (leucine 63 retained).
Molecular consequence: synonymous variant.
Genome position (GRCh38, 1-based): chr12:132,681,153, G>T on the plus strand (C>A on the coding strand, the complement: POLE is on the minus strand). VCF-style: chr12-132681153-G-T. GRCh37 (hg19) VCF-style: chr12-133257739-G-T.
Identifiers: ClinVar variation 4725676 (VCV004725676.1).
Genomic context (GRCh38, chr12:132,681,153, plus strand): 5'-GGGTTGCAGCCATATTCCTGGGTGGGAGAAGGACCTAGTGCTTACAGGATGCATGTTAAT[G>T]AGCCAGCCTGTCTTCTCACCAGGCTCCTTCAGCCGCTCAAAACCAAACCGCAAATCCATC-3'
Protein context (NP_006222.2, residues 53-73): LKEPGEKTGW[Leu63=]INMHPTEILD

ClinVar aggregate classification (germline): Uncertain significance (1 of 4 stars; one submission).

Submission:

Labcorp Genetics (formerly Invitae), Labcorp
Classification: Uncertain significance. Last evaluated: 2025-08-19. Review status: criteria provided, single submitter. Criteria: Invitae Variant Classification Sherloc (09022015). Collection method: clinical testing. Allele origin: germline.
Comment: This sequence change affects codon 63 of the POLE mRNA. It is a 'silent' change, meaning that it does not change the encoded amino acid sequence of the POLE protein. This variant is not present in population databases (gnomAD no frequency). This variant has not been reported in the literature in individuals affected with POLE-related conditions. Algorithms developed to predict the effect of sequence changes on RNA splicing suggest that this variant may disrupt the consensus splice site. In summary, the available evidence is currently insufficient to determine the role of this variant in disease. Therefore, it has been classified as a Variant of Uncertain Significance.